The following is an entry in ClinVar:

ClinVar aggregate classification (germline): Uncertain significance (1 of 4 stars; one submission).

Submission:

Labcorp Genetics (formerly Invitae), Labcorp
Classification: Uncertain significance. Last evaluated: 2023-04-20. Review status: criteria provided, single submitter. Criteria: Invitae Variant Classification Sherloc (09022015). Collection method: clinical testing. Allele origin: germline.
Comment: This variant, c.165_167del, results in the deletion of 1 amino acid(s) of the LZTR1 protein (p.Arg56del), but otherwise preserves the integrity of the reading frame. This variant is not present in population databases (gnomAD no frequency). This variant has not been reported in the literature in individuals affected with LZTR1-related conditions. Experimental studies and prediction algorithms are not available or were not evaluated, and the functional significance of this variant is currently unknown. In summary, the available evidence is currently insufficient to determine the role of this variant in disease. Therefore, it has been classified as a Variant of Uncertain Significance.

NM_006767.4(LZTR1):c.162GCG[1] (p.Arg56del)

Gene: LZTR1 (leucine zipper like post translational regulator 1; plus strand). Cytogenetic location: 22q11.21.
Variant type: Microsatellite.
Coding change: c.162GCG[1] on transcript NM_006767.4 (MANE Select); one copy of the 3-base unit GCG starting at c.162; the reference has two copies in a row; one copy, 3 bases deleted.
Protein change: p.Arg56del; deletes arginine 56.
Molecular consequence: inframe deletion.
Genome position (GRCh38, 1-based): chr22:20,982,536-20,982,538, GCG deleted; deleting any 3 consecutive bases within chr22:20,982,532-20,982,538 gives the same sequence; the position shown is the placement nearest the transcript's 3' end. VCF-style (leftmost placement, unchanged base first): chr22-20982531-TGGC-T. GRCh37 (hg19) VCF-style: chr22-21336820-TGGC-T.
Other names: short protein forms R56del.
Identifiers: ClinVar variation 2857702 (VCV002857702.3), dbSNP rs2518607937, ClinGen allele CA2739267806.